The following is an entry in ClinVar:

ClinVar aggregate classification (germline): Uncertain significance. Review status: criteria provided, multiple submitters, no conflicts (2 of 4 stars). 5 submissions from 5 submitters: Uncertain significance (5). Last evaluated 2025-03-20.

Conditions:
Cardiovascular phenotype. Identifiers: MedGen CN230736.
Arrhythmogenic right ventricular dysplasia 10. Also called: Arrhythmogenic Right Ventricular Dysplasia/Cardiomyopathy10; Arrhythmogenic right ventricular dysplasia/cardiomyopathy, type 10; ARRHYTHMOGENIC RIGHT VENTRICULAR DYSPLASIA, FAMILIAL, 10. Identifiers: MedGen C1857777, MONDO:0012434, OMIM 610193.
Dilated cardiomyopathy 1BB (CMD1BB). Also called: CARDIOMYOPATHY, DILATED, 1BB, SUSCEPTIBILITY TO. Identifiers: Orphanet 154, MedGen C2752072, MONDO:0013030, OMIM 612877.
Arrhythmogenic right ventricular cardiomyopathy (ARVD). Also called: Cardiomyopathy, ARVC; Arrhythmogenic right ventricular dysplasia; Arrhythmogenic cardiomyopathy; Arrhythmogenic Right Ventricular Cardiomyopathy (ARVC). Identifiers: Orphanet 247, MedGen C0349788, MeSH D019571, MONDO:0016587. Disease mechanism: loss of function. Inheritance: Various modes of inheritance.

Allele frequency attached by ClinVar (database versions not stated): gnomAD exomes below 0.00001; TOPMed below 0.00001.
gnomAD v4.1: 8 of 1,614,218 alleles (0.0005%); highest among the groups gnomAD compares: Non-Finnish European, 0.00059%; no homozygotes.

Submissions (5):

Labcorp Genetics (formerly Invitae), Labcorp
Classification: Uncertain significance for Arrhythmogenic right ventricular dysplasia 10. Last evaluated: 2025-03-20. Review status: criteria provided, single submitter. Criteria: Invitae Variant Classification Sherloc (09022015). Collection method: clinical testing. Allele origin: germline.
Comment: This sequence change replaces threonine, which is neutral and polar, with alanine, which is neutral and non-polar, at codon 859 of the DSG2 protein (p.Thr859Ala). This variant is not present in population databases (gnomAD no frequency). This variant has not been reported in the literature in individuals affected with DSG2-related conditions. ClinVar contains an entry for this variant (Variation ID: 264018). Invitae Evidence Modeling of protein sequence and biophysical properties (such as structural, functional, and spatial information, amino acid conservation, physicochemical variation, residue mobility, and thermodynamic stability) indicates that this missense variant is not expected to disrupt DSG2 protein function with a negative predictive value of 95%. In summary, the available evidence is currently insufficient to determine the role of this variant in disease. Therefore, it has been classified as a Variant of Uncertain Significance.

All of Us Research Program, National Institutes of Health
Classification: Uncertain significance for Arrhythmogenic right ventricular cardiomyopathy. Last evaluated: 2023-12-13. Review status: criteria provided, single submitter. Criteria: ACMG Guidelines, 2015. Collection method: clinical testing. Allele origin: germline. Inheritance: Autosomal dominant inheritance. Observed: 1 variant allele, 1 heterozygote.
Comment: This missense variant replaces threonine with alanine at codon 859 of the DSG2 protein. Computational prediction suggests that this variant may not impact protein structure and function (internally defined REVEL score threshold <= 0.5, PMID: 27666373). To our knowledge, functional studies have not been reported for this variant. This variant has not been reported in individuals affected with DSG2-related disorders in the literature. This variant has not been identified in the general population by the Genome Aggregation Database (gnomAD). The available evidence is insufficient to determine the role of this variant in disease conclusively. Therefore, this variant is classified as a Variant of Uncertain Significance.

This study involves interpretation of variants in research participants for the purpose of population health screening. Participant phenotype was not available at the time of variant classification. Additional details can be found in publication PMID: 35346344, PMCID: PMC8962531

Clinical Genetics Laboratory, Skane University Hospital Lund
Classification: Uncertain significance. Last evaluated: 2023-07-12. Review status: criteria provided, single submitter. Criteria: ACMG Guidelines, 2015. Collection method: clinical testing. Allele origin: germline. Affected: yes.

Ambry Genetics
Classification: Uncertain significance for Cardiovascular phenotype. Last evaluated: 2022-07-15. Review status: criteria provided, single submitter. Criteria: Ambry Variant Classification Scheme 2023. Collection method: clinical testing. Allele origin: germline.
Comment: The p.T859A variant (also known as c.2575A>G), located in coding exon 15 of the DSG2 gene, results from an A to G substitution at nucleotide position 2575. The threonine at codon 859 is replaced by alanine, an amino acid with some similar properties. This amino acid position is poorly conserved in available vertebrate species, and alanine is the reference amino acid in four species. In addition, this alteration is predicted to be tolerated by in silico analysis. Since supporting evidence is limited at this time, the clinical significance of this variant remains unclear.

Fulgent Genetics
Classification: Uncertain significance for Arrhythmogenic right ventricular dysplasia 10; Dilated cardiomyopathy 1BB. Last evaluated: 2021-10-05. Review status: criteria provided, single submitter. Criteria: ACMG Guidelines, 2015. Collection method: clinical testing. Allele origin: unknown.

NM_001943.5(DSG2):c.2575A>G (p.Thr859Ala)

Genes: DSG2 (desmoglein 2; plus strand), DSG2-AS1 (DSG2 antisense RNA 1; minus strand). Cytogenetic location: 18q12.1.
Variant type: single nucleotide variant.
Coding change: c.2575A>G on transcript NM_001943.5 (MANE Select); coding-DNA position 2575, A replaced by G.
Protein change: p.Thr859Ala; replaces threonine 859 with alanine.
Molecular consequence: missense variant.
Genome position (GRCh38, 1-based): chr18:31,545,961, A>G. VCF-style: chr18-31545961-A-G. GRCh37 (hg19) VCF-style: chr18-29125924-A-G.
Other names: c.2575A>G (LRG_397t1); short protein forms T859A.
Identifiers: ClinVar variation 264018 (VCV000264018.10), dbSNP rs886039011, ClinGen allele CA10587912.
Genomic context (GRCh38, chr18:31,545,961, plus strand): 5'-GTTTGCCTGGGTCAAAAAATAGATATAAATAAGGAAATTGAGCAGAGACAAAAACCTGCC[A>G]CAGAAACAAGTATGAACACAGCTTCACATTCACTCTGTGAGCAAACTATGGTTAATTCAG-3'
Protein context (NP_001934.2, residues 849-869): KEIEQRQKPA[Thr859Ala]ETSMNTASHS